The following is an entry in ClinVar:

NM_005050.4(ABCD4):c.398A>G (p.Asn133Ser)

Gene: ABCD4 (ATP binding cassette subfamily D member 4; minus strand). Cytogenetic location: 14q24.3.
Variant type: single nucleotide variant.
Coding change: c.398A>G on transcript NM_005050.4 (MANE Select); coding-DNA position 398, A replaced by G.
Protein change: p.Asn133Ser; replaces asparagine 133 with serine.
Molecular consequence: missense variant. On other transcripts: 5 prime UTR variant (12), non-coding transcript variant (8), intron variant (5).
Genome position (GRCh38, 1-based): chr14:74,297,957, T>C on the plus strand (A>G on the coding strand, the complement: ABCD4 is on the minus strand). VCF-style: chr14-74297957-T-C. GRCh37 (hg19) VCF-style: chr14-74764660-T-C.
Other names: c.398A>G, p.Asn133Ser (NM_001353591.2, NM_001353592.2, NM_020325.3); c.137A>G, p.Asn46Ser (NM_001353593.2, NM_001353594.2); c.-12A>G (NM_001353595.2, NM_001353596.2, NM_001353597.2); c.-80A>G (NM_001353598.2, NM_001353600.2); c.-292A>G (NM_001353602.2); c.-297A>G (NM_001353603.2, NM_001353605.2, NM_001353606.2 and 3 more transcripts); c.269A>G, p.Asn90Ser (NM_020323.1); c.-269-1508A>G (NM_001353604.2); and 2 more; short protein forms N46S, N90S, N133S.
Identifiers: ClinVar variation 2917048 (VCV002917048.2), dbSNP rs750827619, ClinGen allele CA7267239.

ClinVar aggregate classification (germline): Uncertain significance (1 of 4 stars; one submission).

Conditions:
Methylmalonic acidemia with homocystinuria, type cblJ (MAHCJ). Also called: METHYLMALONIC ACIDURIA AND HOMOCYSTINURIA, cblJ TYPE. Identifiers: Orphanet 369955, MedGen C3553915, MONDO:0013925, OMIM 614857.

Submission:

Labcorp Genetics (formerly Invitae), Labcorp
Classification: Uncertain significance for Methylmalonic acidemia with homocystinuria, type cblJ. Last evaluated: 2023-11-20. Review status: criteria provided, single submitter. Criteria: Invitae Variant Classification Sherloc (09022015). Collection method: clinical testing. Allele origin: germline.
Comment: This sequence change replaces asparagine, which is neutral and polar, with serine, which is neutral and polar, at codon 133 of the ABCD4 protein (p.Asn133Ser). This variant is present in population databases (rs750827619, gnomAD 0.009%). This variant has not been reported in the literature in individuals affected with ABCD4-related conditions. An algorithm developed to predict the effect of missense changes on protein structure and function (PolyPhen-2) suggests that this variant is likely to be disruptive. In summary, the available evidence is currently insufficient to determine the role of this variant in disease. Therefore, it has been classified as a Variant of Uncertain Significance.